The following is an entry in ClinVar:

NM_000535.7(PMS2):c.1890G>C (p.Lys630Asn)

Gene: PMS2 (PMS1 homolog 2, mismatch repair system component; minus strand). Cytogenetic location: 7p22.1.
Variant type: single nucleotide variant.
Coding change: c.1890G>C on transcript NM_000535.7 (MANE Select); coding-DNA position 1890, G replaced by C.
Protein change: p.Lys630Asn; replaces lysine 630 with asparagine.
Molecular consequence: missense variant. On other transcripts: non-coding transcript variant (1).
Genome position (GRCh38, 1-based): chr7:5,986,875, C>G on the plus strand (G>C on the coding strand, the complement: PMS2 is on the minus strand). VCF-style: chr7-5986875-C-G. GRCh37 (hg19) VCF-style: chr7-6026506-C-G.
Other names: c.1890G>C (NM_000535.5); c.1485G>C, p.Lys495Asn (NM_001322003.2, NM_001322004.2, NM_001322005.2 and 1 more transcripts); c.1734G>C, p.Lys578Asn (NM_001322006.2); c.1572G>C, p.Lys524Asn (NM_001322007.2, NM_001322008.2); c.1329G>C, p.Lys443Asn (NM_001322010.2); c.957G>C, p.Lys319Asn (NM_001322011.2, NM_001322012.2); c.1317G>C, p.Lys439Asn (NM_001322013.2); c.1890G>C, p.Lys630Asn (NM_001322014.2); and 1 more; short protein forms K439N, K527N, K319N, K524N, K630N, K443N, K578N, K495N.
Identifiers: ClinVar variation 1388974 (VCV001388974.10), dbSNP rs1782948207, ClinGen allele CA366739406.

ClinVar aggregate classification (germline): Uncertain significance. Review status: criteria provided, multiple submitters, no conflicts (2 of 4 stars). 3 submissions from 3 submitters: Uncertain significance (3). Last evaluated 2025-12-08.

Conditions:
Hereditary nonpolyposis colorectal neoplasms. Identifiers: MedGen C0009405, MeSH D003123.
Hereditary cancer-predisposing syndrome. Also called: Neoplastic Syndromes, Hereditary; Tumor predisposition; Hereditary neoplastic syndrome; Hereditary Cancer Syndrome. Identifiers: Orphanet 140162, MedGen C0027672, MeSH D009386, MONDO:0015356.

Submissions (3):

Labcorp Genetics (formerly Invitae), Labcorp
Classification: Uncertain significance for Hereditary nonpolyposis colorectal neoplasms. Last evaluated: 2025-12-08. Review status: criteria provided, single submitter. Criteria: Invitae Variant Classification Sherloc (09022015). Collection method: clinical testing. Allele origin: germline.
Comment: This sequence change replaces lysine, which is basic and polar, with asparagine, which is neutral and polar, at codon 630 of the PMS2 protein (p.Lys630Asn). This variant is not present in population databases (gnomAD no frequency). This variant has not been reported in the literature in individuals affected with PMS2-related conditions. ClinVar contains an entry for this variant (Variation ID: 1388974). Invitae Evidence Modeling incorporating data from in vitro experimental studies (internal data) indicates that this missense variant is not expected to disrupt PMS2 function with a negative predictive value of 95%. In summary, the available evidence is currently insufficient to determine the role of this variant in disease. Therefore, it has been classified as a Variant of Uncertain Significance.

Ambry Genetics
Classification: Uncertain significance for Hereditary cancer-predisposing syndrome. Last evaluated: 2025-09-13. Review status: criteria provided, single submitter. Criteria: Ambry Variant Classification Scheme 2023. Collection method: clinical testing. Allele origin: germline.
Comment: The p.K630N variant (also known as c.1890G>C), located in coding exon 11 of the PMS2 gene, results from a G to C substitution at nucleotide position 1890. The lysine at codon 630 is replaced by asparagine, an amino acid with similar properties. This amino acid position is conserved. In addition, this alteration is predicted to be tolerated by in silico analysis. Based on the available evidence, the clinical significance of this variant remains unclear.

GeneDx
Classification: Uncertain significance. Last evaluated: 2024-01-25. Review status: criteria provided, single submitter. Criteria: GeneDx Variant Classification Process June 2021. Collection method: clinical testing. Allele origin: germline. Affected: yes.
Comment: Not observed at significant frequency in large population cohorts (gnomAD); In silico analysis supports that this missense variant does not alter protein structure/function; Has not been previously published as pathogenic or benign to our knowledge; This variant is associated with the following publications: (PMID: 11292842, 19148896)